The following is an entry in ClinVar:

ClinVar aggregate classification (germline): Uncertain significance. Review status: criteria provided, multiple submitters, no conflicts (2 of 4 stars). 5 submissions from 5 submitters: Uncertain significance (5). Last evaluated 2025-07-28.

Conditions:
RYR1-related disorder. Also called: RYR1-related condition; RYR1-related disorders. Identifiers: MedGen CN239331.
Malignant hyperthermia, susceptibility to, 1 (MHS1). Also called: RYR1-Related Malignant Hyperthermia Susceptibility; Anesthesia related hyperthermia; Malignant hyperpyrexia; Fulminating hyperpyrexia; Pharmacogenic myopathy; Malignant hyperthermia suceptibility 1. Identifiers: Orphanet 423, MedGen C2930980, MONDO:0007783, OMIM 145600.
Central core myopathy (CMYO1A). Also called: Central core disease; Myopathy, central fibrillar; CONGENITAL MYOPATHY 1A, AUTOSOMAL DOMINANT, WITH SUSCEPTIBILITY TO MALIGNANT HYPERTHERMIA. Identifiers: Orphanet 597, MedGen C5830701, MONDO:0007294, OMIM 117000.
Congenital myopathy with fiber type disproportion. Also called: Congenital fiber-type disproportion myopathy; Congenital fiber-type disproportion. Identifiers: Orphanet 2020, MedGen C0546264, MONDO:0009711. Inheritance: all.
Congenital multicore myopathy with external ophthalmoplegia (CMYO1B). Also called: Congenital myopathy 1B, autosomal recessive; Minicore myopathy; Minicore myopathy with external ophthalmoplegia; MULTIMINICORE DISEASE WITH EXTERNAL OPHTHALMOPLEGIA; MULTICORE MYOPATHY. Identifiers: Orphanet 598, Orphanet 98905, MedGen C1850674, MONDO:0009712, OMIM 255320, HP:0003789.
King Denborough syndrome (KDS). Identifiers: MedGen C1840365, MONDO:0020485, OMIM 619542.

Allele frequency attached by ClinVar (database versions not stated): TOPMed 0.00003; gnomAD exomes below 0.00001; gnomAD 0.00001.
gnomAD v4.1: 10 of 1,610,868 alleles (0.00062%); highest among the groups gnomAD compares: South Asian, 0.0044%; no homozygotes.

Submissions (5):

Dasa
Classification: Uncertain significance. Last evaluated: 2025-07-28. Review status: criteria provided, single submitter. Criteria: DASA Assertion Criteria. Collection method: clinical testing. Allele origin: germline.
Comment: NM_000540.3(RYR1):c.7843C>T (p.Arg2615Cys) is a missense variant that results in the substitution of arginine with cysteine. This variant is rare in population databases. Computational prediction algorithms are consistent with a deleterious effect. The currently available literature and clinical evidence are not sufficient to establish a definitive association between this variant and the reported condition. Therefore, this variant is classified as a variant of uncertain significance.

Labcorp Genetics (formerly Invitae), Labcorp
Classification: Uncertain significance for RYR1-related disorder. Last evaluated: 2025-02-26. Review status: criteria provided, single submitter. Criteria: Invitae Variant Classification Sherloc (09022015). Collection method: clinical testing. Allele origin: germline.
Comment: This sequence change replaces arginine, which is basic and polar, with cysteine, which is neutral and slightly polar, at codon 2615 of the RYR1 protein (p.Arg2615Cys). The frequency data for this variant in the population databases is considered unreliable, as metrics indicate poor data quality at this position in the gnomAD database. This missense change has been observed in individuals with autosomal dominant RYR1-related conditions (PMID: 24950660, 33124102, 37510298). ClinVar contains an entry for this variant (Variation ID: 590598). Invitae Evidence Modeling of protein sequence and biophysical properties (such as structural, functional, and spatial information, amino acid conservation, physicochemical variation, residue mobility, and thermodynamic stability) has been performed for this missense variant. However, the output from this modeling did not meet the statistical confidence thresholds required to predict the impact of this variant on RYR1 protein function. In summary, the available evidence is currently insufficient to determine the role of this variant in disease. Therefore, it has been classified as a Variant of Uncertain Significance.

Color Diagnostics, LLC DBA Color Health
Classification: Uncertain significance for Malignant hyperthermia, susceptibility to, 1. Last evaluated: 2024-02-22. Review status: criteria provided, single submitter. Criteria: ACMG Guidelines, 2015. Collection method: clinical testing. Allele origin: germline.
Comment: This missense variant replaces arginine with cysteine at codon 2615 of the RYR1 protein. Computational prediction suggests that this variant may have deleterious impact on protein structure and function. To our knowledge, functional studies have not been reported for this variant. This variant has not been reported in individuals affected with malignant hyperthermia susceptibility in the literature. This variant has been identified in 1/249318 chromosomes in the general population by the Genome Aggregation Database (gnomAD). The available evidence is insufficient to determine the role of this variant in malignant hyperthermia susceptibility conclusively. Therefore, this variant is classified as a Variant of Uncertain Significance.

Fulgent Genetics
Classification: Uncertain significance for Central core myopathy; Malignant hyperthermia, susceptibility to, 1; Congenital myopathy 4A, autosomal dominant; Congenital multicore myopathy with external ophthalmoplegia; King Denborough syndrome. Last evaluated: 2021-08-31. Review status: criteria provided, single submitter. Criteria: ACMG Guidelines, 2015. Collection method: clinical testing. Allele origin: unknown.

PreventionGenetics, part of Exact Sciences
Classification: Uncertain significance. Last evaluated: 2013-10-25. Review status: criteria provided, single submitter. Criteria: ACMG Guidelines, 2015. Collection method: clinical testing. Allele origin: germline.

Literature cited by the submitters: PubMed 24950660 (cited by Labcorp Genetics (formerly Invitae), Labcorp); PubMed 33124102 (cited by Labcorp Genetics (formerly Invitae), Labcorp); PubMed 37510298 (cited by Labcorp Genetics (formerly Invitae), Labcorp).

NM_000540.3(RYR1):c.7843C>T (p.Arg2615Cys)

Gene: RYR1 (ryanodine receptor 1; plus strand). Cytogenetic location: 19q13.2.
Variant type: single nucleotide variant.
Coding change: c.7843C>T on transcript NM_000540.3 (MANE Select); coding-DNA position 7843, C replaced by T.
Protein change: p.Arg2615Cys; replaces arginine 2615 with cysteine.
Molecular consequence: missense variant.
Genome position (GRCh38, 1-based): chr19:38,502,887, C>T. VCF-style: chr19-38502887-C-T. GRCh37 (hg19) VCF-style: chr19-38993527-C-T.
Other names: c.7843C>T, p.Arg2615Cys (NM_001042723.2); short protein forms R2615C.
Identifiers: ClinVar variation 590598 (VCV000590598.12), dbSNP rs1222041246, ClinGen allele CA405673535.
Genomic context (GRCh38, chr19:38,502,887, plus strand): 5'-GCAGCAGAGCGGGCCTGGACGGGGGATTCTACATCTTGTGCATTGTCCCGCAGGTACATC[C>T]GCCCGTCGATGCTGCAGCACCTGTTGCGCCGCCTGGTGTTCGACGTGCCCATCCTCAACG-3'
Protein context (NP_000531.2, residues 2605-2625): DCLMSLCRYI[Arg2615Cys]PSMLQHLLRR